The following is an entry in ClinVar:

ClinVar aggregate classification (germline): Uncertain significance (1 of 4 stars; one submission).

Conditions:
Oligodontia-cancer predisposition syndrome. Also called: TOOTH AGENESIS-COLORECTAL CANCER SYNDROME. Identifiers: Orphanet 300576, MedGen C1837750, MONDO:0012075, OMIM 608615. Disease mechanism: loss of function.

Submission:

Labcorp Genetics (formerly Invitae), Labcorp
Classification: Uncertain significance for Oligodontia-cancer predisposition syndrome. Last evaluated: 2023-12-06. Review status: criteria provided, single submitter. Criteria: Invitae Variant Classification Sherloc (09022015). Collection method: clinical testing. Allele origin: unknown.
Comment: This variant results in a copy number gain of the genomic region encompassing exon(s) 2-10 of the AXIN2 gene. This region includes the initiator codon of the gene. This copy number gain extends beyond the assayed region for this gene and therefore may encompass additional genes. As the precise location of this event is unknown, it may be in tandem or it may be located elsewhere in the genome. This variant has not been reported in the literature in individuals affected with AXIN2-related conditions. In summary, the available evidence is currently insufficient to determine the role of this variant in disease. Therefore, it has been classified as a Variant of Uncertain Significance.

NC_000017.10:g.(?_63530010)_(63554738_?)dup

Gene: AXIN2 (axin 2; minus strand). Cytogenetic location: 17q24.1.
Variant type: Duplication.
Identifiers: ClinVar variation 3243036 (VCV003243036.1).